The following is an entry in ClinVar:

ClinVar aggregate classification (germline): Conflicting classifications of pathogenicity. Review status: criteria provided, conflicting classifications (1 of 4 stars). 4 submissions from 4 submitters: Uncertain significance (3); Likely benign (1). Last evaluated 2026-01-31.

Conditions:
Cardiovascular phenotype. Identifiers: MedGen CN230736.
Distal myopathy with posterior leg and anterior hand involvement. Also called: WILLIAMS DISTAL MYOPATHY. Identifiers: Orphanet 63273, MedGen C3279722, MONDO:0013550, OMIM 614065.
Myofibrillar myopathy 5. Also called: Filaminopathy (type); FILAMINOPATHY, AUTOSOMAL DOMINANT. Identifiers: Orphanet 171445, MedGen C1836050, MONDO:0012289, OMIM 609524.
Hypertrophic cardiomyopathy 26. Also called: Cardiomyopathy, familial hypertrophic, 26. Identifiers: Orphanet 75249, MedGen C4310749, MONDO:0014883, OMIM 617047.

Allele frequency attached by ClinVar (database versions not stated): gnomAD exomes 0.00001 and 0.00006; ExAC 0.00002; gnomAD 0.00002; TOPMed 0.00006.
gnomAD v4.1: 20 of 1,608,340 alleles (0.0012%); highest among the groups gnomAD compares: Admixed American, 0.02%; no homozygotes.

Submissions (4):

Labcorp Genetics (formerly Invitae), Labcorp
Classification: Likely benign for Distal myopathy with posterior leg and anterior hand involvement; Myofibrillar myopathy 5; Hypertrophic cardiomyopathy 26. Last evaluated: 2026-01-31. Review status: criteria provided, single submitter. Criteria: Invitae Variant Classification Sherloc (09022015). Collection method: clinical testing. Allele origin: germline.

GeneDx
Classification: Uncertain significance. Last evaluated: 2024-09-19. Review status: criteria provided, single submitter. Criteria: GeneDx Variant Classification Process June 2021. Collection method: clinical testing. Allele origin: germline. Affected: yes.
Comment: In silico analysis supports that this missense variant has a deleterious effect on protein structure/function; Has not been previously published as pathogenic or benign to our knowledge

Ambry Genetics
Classification: Uncertain significance for Cardiovascular phenotype. Last evaluated: 2021-11-14. Review status: criteria provided, single submitter. Criteria: Ambry Variant Classification Scheme 2023. Collection method: clinical testing. Allele origin: germline.
Comment: The p.P1358R variant (also known as c.4073C>G), located in coding exon 23 of the FLNC gene, results from a C to G substitution at nucleotide position 4073. The proline at codon 1358 is replaced by arginine, an amino acid with dissimilar properties. This amino acid position is conserved. In addition, this alteration is predicted to be deleterious by in silico analysis. Since supporting evidence is limited at this time, the clinical significance of this alteration remains unclear.

Fulgent Genetics
Classification: Uncertain significance for Myofibrillar myopathy 5; Distal myopathy with posterior leg and anterior hand involvement; Hypertrophic cardiomyopathy 26. Last evaluated: 2021-09-24. Review status: criteria provided, single submitter. Criteria: ACMG Guidelines, 2015. Collection method: clinical testing. Allele origin: unknown.

NM_001458.5(FLNC):c.4073C>G (p.Pro1358Arg)

Gene: FLNC (filamin C; plus strand). Cytogenetic location: 7q32.1.
Variant type: single nucleotide variant.
Coding change: c.4073C>G on transcript NM_001458.5 (MANE Select); coding-DNA position 4073, C replaced by G.
Protein change: p.Pro1358Arg; replaces proline 1358 with arginine.
Molecular consequence: missense variant.
Genome position (GRCh38, 1-based): chr7:128,846,409, C>G. VCF-style: chr7-128846409-C-G. GRCh37 (hg19) VCF-style: chr7-128486463-C-G.
Other names: c.4073C>G, p.Pro1358Arg (NM_001127487.2); short protein forms P1358R.
Identifiers: ClinVar variation 539407 (VCV000539407.11), dbSNP rs769586047, ClinGen allele CA4475233.
Genomic context (GRCh38, chr7:128,846,409, plus strand): 5'-GCCCCTTCCGAGTGGGCGTGACCGAGGGCTGTGATCCCACCCGCGTCCGAGCCTTCGGGC[C>G]AGGCCTGGAGGGTGGCTTGGTCAACAAGGCCAACCGATTCACTGTGGAGACCAGGTATCC-3'
Protein context (NP_001449.3, residues 1348-1368): CDPTRVRAFG[Pro1358Arg]GLEGGLVNKA